The following is an entry in ClinVar:

ClinVar aggregate classification (germline): Likely benign (1 of 4 stars; one submission).

Allele frequency attached by ClinVar (database versions not stated): ExAC 0.00210.

Submission:

CeGaT Center for Human Genetics Tuebingen
Classification: Likely benign. Last evaluated: 2023-02-01. Review status: criteria provided, single submitter. Criteria: CeGaT Center For Human Genetics Tuebingen Variant Classification Criteria Version 2. Collection method: clinical testing. Allele origin: germline. Affected: yes. Observed: 1 variant allele.
Comment: POLR2J: BP4, BP7

NM_006234.6(POLR2J):c.93T>C (p.Cys31=)

Gene: POLR2J (RNA polymerase II subunit J; minus strand). Cytogenetic location: 7q22.1.
Variant type: single nucleotide variant.
Coding change: c.93T>C on transcript NM_006234.6 (MANE Select); coding-DNA position 93, T replaced by C.
Protein change: p.Cys31=; no amino-acid change (cysteine 31 retained).
Molecular consequence: synonymous variant. On other transcripts: non-coding transcript variant (1), intron variant (1).
Genome position (GRCh38, 1-based): chr7:102,476,231, A>G on the plus strand (T>C on the coding strand, the complement: POLR2J is on the minus strand). VCF-style: chr7-102476231-A-G. GRCh37 (hg19) VCF-style: chr7-102116678-A-G.
Other names: c.93T>C, p.Cys31= (NM_001393919.1); c.54-1696T>C (NM_001371100.1).
Identifiers: ClinVar variation 2657885 (VCV002657885.24), dbSNP rs760152315, ClinGen allele CA4414470.